The following is an entry in ClinVar:

ClinVar aggregate classification (germline): Uncertain significance (1 of 4 stars; one submission).

Allele frequency attached by ClinVar (database versions not stated): gnomAD exomes below 0.00001; TOPMed below 0.00001; gnomAD 0.00001; ExAC 0.00002.
gnomAD v4.1: 5 of 1,594,408 alleles (0.00031%); highest among the groups gnomAD compares: Admixed American, 0.0085%; no homozygotes.

Submission:

Labcorp Genetics (formerly Invitae), Labcorp
Classification: Uncertain significance. Last evaluated: 2023-11-07. Review status: criteria provided, single submitter. Criteria: Invitae Variant Classification Sherloc (09022015). Collection method: clinical testing. Allele origin: germline.
Comment: This sequence change replaces phenylalanine, which is neutral and non-polar, with serine, which is neutral and polar, at codon 321 of the COL4A4 protein (p.Phe321Ser). This variant is present in population databases (rs779914520, gnomAD 0.01%). This variant has not been reported in the literature in individuals affected with COL4A4-related conditions. Advanced modeling of protein sequence and biophysical properties (such as structural, functional, and spatial information, amino acid conservation, physicochemical variation, residue mobility, and thermodynamic stability) performed at Invitae indicates that this missense variant is not expected to disrupt COL4A4 protein function with a negative predictive value of 95%. In summary, the available evidence is currently insufficient to determine the role of this variant in disease. Therefore, it has been classified as a Variant of Uncertain Significance.

NM_000092.5(COL4A4):c.962T>C (p.Phe321Ser)

Gene: COL4A4 (collagen type IV alpha 4 chain; minus strand). Cytogenetic location: 2q36.3.
Variant type: single nucleotide variant.
Coding change: c.962T>C on transcript NM_000092.5 (MANE Select); coding-DNA position 962, T replaced by C.
Protein change: p.Phe321Ser; replaces phenylalanine 321 with serine.
Molecular consequence: missense variant.
Genome position (GRCh38, 1-based): chr2:227,101,878, A>G on the plus strand (T>C on the coding strand, the complement: COL4A4 is on the minus strand). VCF-style: chr2-227101878-A-G. GRCh37 (hg19) VCF-style: chr2-227966594-A-G.
Other names: short protein forms F321S.
Identifiers: ClinVar variation 2900656 (VCV002900656.3), dbSNP rs779914520, ClinGen allele CA2145345.